The following is an entry in ClinVar:

NM_002972.4(SBF1):c.1086G>T (p.Met362Ile)

Gene: SBF1 (SET binding factor 1; minus strand). Cytogenetic location: 22q13.33.
Variant type: single nucleotide variant.
Coding change: c.1086G>T on transcript NM_002972.4 (MANE Select); coding-DNA position 1086, G replaced by T.
Protein change: p.Met362Ile; replaces methionine 362 with isoleucine.
Molecular consequence: missense variant.
Genome position (GRCh38, 1-based): chr22:50,465,766, C>A on the plus strand (G>T on the coding strand, the complement: SBF1 is on the minus strand). VCF-style: chr22-50465766-C-A. GRCh37 (hg19) VCF-style: chr22-50904195-C-A.
Other names: c.1089G>T, p.Met363Ile (NM_001365819.1); c.1086G>T (NM_002972.2); short protein forms M362I, M363I.
Identifiers: ClinVar variation 1366080 (VCV001366080.4), dbSNP rs763624442, ClinGen allele CA10317846.
Genomic context (GRCh38, chr22:50,465,766, plus strand): 5'-GAGTGGGGGCAGCCTAAGTGCCTGGGGTCCCCATGCAGGAGCAGCAACGACCCCCACCTG[C>A]ATCTTCAGGGAGGAGGTGGATGTCGTGGGCGGAGGGAAGGCGAGGTCAGCCAACTCCAGC-3'
Protein context (NP_002963.2, residues 352-372): PPTTSTSSLK[Met362Ile]QDKELRAVFL

ClinVar aggregate classification (germline): Uncertain significance. Review status: criteria provided, multiple submitters, no conflicts (2 of 4 stars). 2 submissions from 2 submitters: Uncertain significance (2). Last evaluated 2025-01-01.

Allele frequency attached by ClinVar (database versions not stated): gnomAD 0.00003 and 0.00004; gnomAD exomes 0.00003 and 0.00008; ExAC 0.00013.

Submissions (2):

Ambry Genetics
Classification: Uncertain significance. Last evaluated: 2025-01-01. Review status: criteria provided, single submitter. Criteria: Ambry Variant Classification Scheme 2023. Collection method: clinical testing. Allele origin: germline.

Labcorp Genetics (formerly Invitae), Labcorp
Classification: Uncertain significance. Last evaluated: 2021-11-02. Review status: criteria provided, single submitter. Criteria: Invitae Variant Classification Sherloc (09022015). Collection method: clinical testing. Allele origin: germline.
Comment: This sequence change replaces methionine, which is neutral and non-polar, with isoleucine, which is neutral and non-polar, at codon 362 of the SBF1 protein (p.Met362Ile). This variant is present in population databases (rs763624442, gnomAD 0.1%). This variant has not been reported in the literature in individuals affected with SBF1-related conditions. Algorithms developed to predict the effect of missense changes on protein structure and function (SIFT, PolyPhen-2, Align-GVGD) all suggest that this variant is likely to be tolerated. In summary, the available evidence is currently insufficient to determine the role of this variant in disease. Therefore, it has been classified as a Variant of Uncertain Significance.